The following is an entry in ClinVar:

ClinVar aggregate classification (germline): Conflicting classifications of pathogenicity. Review status: criteria provided, conflicting classifications (1 of 4 stars). 5 submissions from 5 submitters: Uncertain significance (4); Likely benign (1). Last evaluated 2024-11-23.

Conditions:
Hereditary breast ovarian cancer syndrome. Also called: Breast and ovarian cancer; BRCA1- and BRCA2-Associated Hereditary Breast and Ovarian Cancer; Hereditary breast and ovarian cancer syndrome (HBOC); Hereditary breast and ovarian cancer; Hereditary breast and/or ovarian cancer syndrome; Hereditary breast and ovarian cancer syndrome. Identifiers: Orphanet 145, MedGen C0677776, MeSH D061325, MONDO:0003582. Disease mechanism: loss of function.
Hereditary cancer-predisposing syndrome. Also called: Tumor predisposition; Neoplastic Syndromes, Hereditary; Hereditary neoplastic syndrome; Hereditary Cancer Syndrome. Identifiers: Orphanet 140162, MedGen C0027672, MeSH D009386, MONDO:0015356.

Submissions (5):

Ambry Genetics
Classification: Uncertain significance for Hereditary cancer-predisposing syndrome. Last evaluated: 2024-11-23. Review status: criteria provided, single submitter. Criteria: Ambry Variant Classification Scheme 2023. Collection method: clinical testing. Allele origin: germline.
Comment: The p.M1014I variant (also known as c.3042G>A), located in coding exon 9 of the BRCA1 gene, results from a G to A substitution at nucleotide position 3042. The methionine at codon 1014 is replaced by isoleucine, an amino acid with highly similar properties. This amino acid position is poorly conserved in available vertebrate species. In addition, this alteration is predicted to be tolerated by in silico analysis. Since supporting evidence is limited at this time, the clinical significance of this alteration remains unclear.

Quest Diagnostics Nichols Institute San Juan Capistrano
Classification: Uncertain significance. Last evaluated: 2023-12-19. Review status: criteria provided, single submitter. Criteria: Quest Diagnostics criteria. Collection method: clinical testing. Allele origin: unknown.
Comment: The BRCA1 c.3042G>A (p.Met1014Ile) variant has been reported in the published literature to be located in a region of the BRCA1 gene that is tolerant to missense sequence changes (PMID: 31911673 (2020)). This variant has not been reported in large, multi-ethnic general populations (Genome Aggregation Database). Analysis of this variant using bioinformatics tools for the prediction of the effect of amino acid changes on protein structure and function yielded predictions that this variant is benign. Based on the available information, we are unable to determine the clinical significance of this variant.

University of Washington Department of Laboratory Medicine, University of Washington
Classification: Likely benign for Hereditary cancer-predisposing syndrome. Last evaluated: 2023-03-23. Review status: criteria provided, single submitter. Criteria: Dines et al. (Genet Med. 2020). Collection method: curation. Allele origin: germline.
Comment: Missense variant in a coldspot region where missense variants are very unlikely to be pathogenic (PMID:31911673).

BRCA1 coldspot (exon 11 using historical exon numbering). Reclassification based on statistical prior probability

Labcorp Genetics (formerly Invitae), Labcorp
Classification: Uncertain significance for Hereditary breast ovarian cancer syndrome. Last evaluated: 2021-01-10. Review status: criteria provided, single submitter. Criteria: Invitae Variant Classification Sherloc (09022015). Collection method: clinical testing. Allele origin: germline.
Comment: In summary, the available evidence is currently insufficient to determine the role of this variant in disease. Therefore, it has been classified as a Variant of Uncertain Significance. Advanced modeling of protein sequence and biophysical properties (such as structural, functional, and spatial information, amino acid conservation, physicochemical variation, residue mobility, and thermodynamic stability) performed at Invitae indicates that this missense variant is not expected to disrupt BRCA1 protein function. This variant has not been reported in the literature in individuals with BRCA1-related conditions. ClinVar contains an entry for this variant (Variation ID: 496363). This variant is not present in population databases (ExAC no frequency). This sequence change replaces methionine with isoleucine at codon 1014 of the BRCA1 protein (p.Met1014Ile). The methionine residue is weakly conserved and there is a small physicochemical difference between methionine and isoleucine.

Women's Health and Genetics/Laboratory Corporation of America, LabCorp
Classification: Uncertain significance. Last evaluated: 2016-08-03. Review status: criteria provided, single submitter. Criteria: LabCorp Variant Classification Summary - May 2015. Collection method: clinical testing. Allele origin: germline.
Comment: Variant summary: The BRCA1 c.3042G>A (p.Met1014Ile) variant involves the alteration of a non-conserved nucleotide and results in a replacement of a medium size and hydrophobic Methionine (M) with a medium size and hydrophobic Isoleucine (I). 4/4 in silico tools predict a benign outcome for this substitution (SNPs&GO not captured due to low reliability index). This variant is absent in 121268 control chromosomes. It has been reported in a tumor cell line, however, not reported in patients. Studies assessing the impact the variant may have on the function of BRCA1 were not published at the time of classification either. Due to the absence of clinical information and the lack of functional studies, the variant is classified as a variant of uncertain significance (VUS) until additional information becomes available.

Literature cited by the submitters: PubMed 17088437 (cited by Quest Diagnostics Nichols Institute San Juan Capistrano and Women's Health and Genetics/Laboratory Corporation of America, LabCorp); PubMed 31911673 (cited by Quest Diagnostics Nichols Institute San Juan Capistrano).

NM_007294.4(BRCA1):c.3042G>A (p.Met1014Ile)

Gene: BRCA1 (BRCA1 DNA repair associated; minus strand). Cytogenetic location: 17q21.31.
Variant type: single nucleotide variant.
Coding change: c.3042G>A on transcript NM_007294.4 (MANE Select); coding-DNA position 3042, G replaced by A.
Protein change: p.Met1014Ile; replaces methionine 1014 with isoleucine.
Molecular consequence: missense variant. On other transcripts: intron variant (137).
Genome position (GRCh38, 1-based): chr17:43,092,489, C>T on the plus strand (G>A on the coding strand, the complement: BRCA1 is on the minus strand). VCF-style: chr17-43092489-C-T. GRCh37 (hg19) VCF-style: chr17-41244506-C-T.
Other names: c.2829G>A, p.Met943Ile (NM_001407571.1, NM_001407853.1, NM_001407894.1 and 9 more transcripts); c.3042G>A, p.Met1014Ile (NM_001407581.1, NM_001407582.1, NM_001407583.1 and 30 more transcripts); c.3039G>A, p.Met1013Ile (NM_001407587.1, NM_001407590.1, NM_001407591.1 and 22 more transcripts); c.3033G>A, p.Met1011Ile (NM_001407646.1, NM_001407647.1); c.2919G>A, p.Met973Ile (NM_001407648.1, NM_001407664.1, NM_001407665.1 and 19 more transcripts); c.2916G>A, p.Met972Ile (NM_001407649.1, NM_001407670.1, NM_001407671.1 and 11 more transcripts); c.2964G>A, p.Met988Ile (NM_001407653.1, NM_001407654.1, NM_001407655.1 and 4 more transcripts); c.2961G>A, p.Met987Ile (NM_001407659.1, NM_001407660.1, NM_001407661.1 and 1 more transcripts); and 41 more; short protein forms M1014I, M967I, M1011I, M1013I, M718I, M886I, M925I, M944I.
Identifiers: ClinVar variation 496363 (VCV000496363.18), dbSNP rs1555588493, ClinGen allele CA10595909.